The following is an entry in ClinVar:

ClinVar aggregate classification (germline): Uncertain significance. Review status: criteria provided, multiple submitters, no conflicts (2 of 4 stars). 2 submissions from 2 submitters: Uncertain significance (2). Last evaluated 2023-08-11.

Conditions:
Global developmental delay - lung cysts - overgrowth - Wilms tumor syndrome. Also called: GLOBAL DEVELOPMENTAL DELAY, LUNG CYSTS, OVERGROWTH, AND WILMS TUMOR; GLOW Syndrome. Identifiers: Orphanet 404476, MedGen C4748924, MONDO:0018445, OMIM 618272.
DICER1-related tumor predisposition. Also called: DICER1 syndrome; DICER1-related pleuropulmonary blastoma cancer predisposition syndrome. Identifiers: Orphanet 284343, MedGen C3839822, MONDO:0100216.

Allele frequency attached by ClinVar (database versions not stated): gnomAD exomes below 0.00001.

Submissions (2):

Baylor Genetics
Classification: Uncertain significance for Global developmental delay - lung cysts - overgrowth - Wilms tumor syndrome. Last evaluated: 2023-08-11. Review status: criteria provided, single submitter. Criteria: ACMG Guidelines, 2015. Collection method: clinical testing. Allele origin: unknown.

Labcorp Genetics (formerly Invitae), Labcorp
Classification: Uncertain significance for DICER1-related tumor predisposition. Last evaluated: 2023-08-10. Review status: criteria provided, single submitter. Criteria: Invitae Variant Classification Sherloc (09022015). Collection method: clinical testing. Allele origin: germline.
Comment: This variant has not been reported in the literature in individuals affected with DICER1-related conditions. In summary, the available evidence is currently insufficient to determine the role of this variant in disease. Therefore, it has been classified as a Variant of Uncertain Significance. An algorithm developed to predict the effect of missense changes on protein structure and function (PolyPhen-2) suggests that this variant is likely to be disruptive. ClinVar contains an entry for this variant (Variation ID: 1499379). This variant is not present in population databases (gnomAD no frequency). This sequence change replaces tyrosine, which is neutral and polar, with cysteine, which is neutral and slightly polar, at codon 1511 of the DICER1 protein (p.Tyr1511Cys).

NM_177438.3(DICER1):c.4532A>G (p.Tyr1511Cys)

Gene: DICER1 (dicer 1, ribonuclease III; minus strand). Cytogenetic location: 14q32.13.
Variant type: single nucleotide variant.
Coding change: c.4532A>G on transcript NM_177438.3 (MANE Select); coding-DNA position 4532, A replaced by G.
Protein change: p.Tyr1511Cys; replaces tyrosine 1511 with cysteine.
Molecular consequence: missense variant.
Genome position (GRCh38, 1-based): chr14:95,096,388, T>C on the plus strand (A>G on the coding strand, the complement: DICER1 is on the minus strand). VCF-style: chr14-95096388-T-C. GRCh37 (hg19) VCF-style: chr14-95562725-T-C.
Other names: c.4532A>G, p.Tyr1511Cys (NM_001195573.1, NM_001271282.3, NM_001291628.2 and 1 more transcripts); short protein forms Y1511C.
Identifiers: ClinVar variation 1499379 (VCV001499379.10), dbSNP rs2139848572, ClinGen allele CA390867922.